The following is an entry in ClinVar:

NM_054012.4(ASS1):c.160C>G (p.Leu54Val)

Gene: ASS1 (argininosuccinate synthase 1; plus strand). Cytogenetic location: 9q34.11.
Variant type: single nucleotide variant.
Coding change: c.160C>G on transcript NM_054012.4 (MANE Select); coding-DNA position 160, C replaced by G.
Protein change: p.Leu54Val; replaces leucine 54 with valine.
Molecular consequence: missense variant.
Genome position (GRCh38, 1-based): chr9:130,454,359, C>G. VCF-style: chr9-130454359-C-G. GRCh37 (hg19) VCF-style: chr9-133329746-C-G.
Other names: c.160C>G, p.Leu54Val (NM_000050.4); short protein forms L54V.
Identifiers: ClinVar variation 578156 (VCV000578156.12), dbSNP rs1564902078, ClinGen allele CA375223842.
Genomic context (GRCh38, chr9:130,454,359, plus strand): 5'-TCTCAGGCCAACATTGGCCAGAAGGAAGACTTCGAGGAAGCCAGGAAGAAGGCACTGAAG[C>G]TTGGGGCCAAAAAGGTACCAGGCGGGAGGCAGGGATTTGGGCTGGGAGTGGGGCGGTGAT-3'
Protein context (NP_446464.1, residues 44-64): FEEARKKALK[Leu54Val]GAKKVFIEDV

ClinVar aggregate classification (germline): Uncertain significance. Review status: criteria provided, single submitter (1 of 4 stars). 2 submissions from 2 submitters: Uncertain significance (1). 1 of the submissions does not count toward it. Last evaluated 2018-04-27.

Conditions:
Citrullinemia. Identifiers: Orphanet 187, MedGen C0175683, MONDO:0015991.
Citrullinemia type I (CTNL1). Also called: ASS DEFICIENCY; argininosuccinate synthetase deficiency. Identifiers: Orphanet 247525, MedGen C4721769, MONDO:0008988, OMIM 215700.

Submissions (2):

Labcorp Genetics (formerly Invitae), Labcorp
Classification: Uncertain significance for Citrullinemia. Last evaluated: 2018-04-27. Review status: criteria provided, single submitter. Criteria: Invitae Variant Classification Sherloc (09022015). Collection method: clinical testing. Allele origin: germline.
Comment: In summary, the available evidence is currently insufficient to determine the role of this variant in disease. Therefore, it has been classified as a Variant of Uncertain Significance. Algorithms developed to predict the effect of sequence changes on RNA splicing suggest that this variant may create or strengthen a splice site, but this prediction has not been confirmed by published transcriptional studies. Algorithms developed to predict the effect of missense changes on protein structure and function (SIFT, PolyPhen-2, Align-GVGD) all suggest that this variant is likely to be tolerated, but these predictions have not been confirmed by published functional studies and their clinical significance is uncertain. This variant has not been reported in the literature in individuals with ASS1-related disease. This variant is not present in population databases (ExAC no frequency). This sequence change replaces leucine with valine at codon 54 of the ASS1 protein (p.Leu54Val). The leucine residue is moderately conserved and there is a small physicochemical difference between leucine and valine.

Natera, Inc.
Classification: Uncertain significance for Citrullinemia type I. Last evaluated: 2021-01-13. Review status: no assertion criteria provided. Collection method: clinical testing. Allele origin: germline. Not counted in ClinVar's aggregate classification.